The following is an entry in ClinVar:

ClinVar aggregate classification (germline): Conflicting classifications of pathogenicity. Review status: criteria provided, conflicting classifications (1 of 4 stars). 3 submissions from 3 submitters: Uncertain significance (2); Likely benign (1). Last evaluated 2026-09-03.

Conditions:
AARS1-related disorder. Also called: AARS1-related condition.
Inborn genetic diseases. Identifiers: MedGen C0950123, MeSH D030342.
Charcot-Marie-Tooth disease type 2. Also called: Charcot-Marie-Tooth type 2. Identifiers: Orphanet 64746, MedGen C0270914, MONDO:0018993.

Allele frequency attached by ClinVar (database versions not stated): ExAC 0.00001; gnomAD exomes 0.00001; gnomAD 0.00007; TOPMed 0.00013.
gnomAD v4.1: 20 of 1,614,026 alleles (0.0012%); highest among the groups gnomAD compares: Admixed American, 0.027%; no homozygotes.

Submissions (3):

PreventionGenetics, part of Exact Sciences
Classification: Uncertain significance for AARS1-related condition. Last evaluated: 2026-09-03. Review status: criteria provided, single submitter. Criteria: ACMG Guidelines, 2015. Collection method: clinical testing. Allele origin: germline.
Comment: The AARS1 c.58A>G variant is predicted to result in the amino acid substitution p.Arg20Gly. To our knowledge, this variant has not been reported in the literature. This variant is reported in 0.0062% of alleles in individuals of African descent in gnomAD. At this time, the clinical significance of this variant is uncertain due to the absence of conclusive functional and genetic evidence.

Labcorp Genetics (formerly Invitae), Labcorp
Classification: Likely benign for Charcot-Marie-Tooth disease type 2. Last evaluated: 2026-01-05. Review status: criteria provided, single submitter. Criteria: Invitae Variant Classification Sherloc (09022015). Collection method: clinical testing. Allele origin: germline.

Ambry Genetics
Classification: Uncertain significance for Inborn genetic diseases. Last evaluated: 2024-08-28. Review status: criteria provided, single submitter. Criteria: Ambry Variant Classification Scheme 2023. Collection method: clinical testing. Allele origin: germline.

NM_001605.3(AARS1):c.58A>G (p.Arg20Gly)

Gene: AARS1 (alanyl-tRNA synthetase 1; minus strand). Cytogenetic location: 16q22.1.
Variant type: single nucleotide variant.
Coding change: c.58A>G on transcript NM_001605.3 (MANE Select); coding-DNA position 58, A replaced by G.
Protein change: p.Arg20Gly; replaces arginine 20 with glycine.
Molecular consequence: missense variant.
Genome position (GRCh38, 1-based): chr16:70,282,706, T>C on the plus strand (A>G on the coding strand, the complement: AARS1 is on the minus strand). VCF-style: chr16-70282706-T-C. GRCh37 (hg19) VCF-style: chr16-70316609-T-C.
Other names: short protein forms R20G.
Identifiers: ClinVar variation 852136 (VCV000852136.11), dbSNP rs770697148, ClinGen allele CA8141240.